The following is an entry in ClinVar:

NM_018699.4(PRDM5):c.1165A>C (p.Asn389His)

Gene: PRDM5 (PR/SET domain 5; minus strand). Cytogenetic location: 4q27.
Variant type: single nucleotide variant.
Coding change: c.1165A>C on transcript NM_018699.4 (MANE Select); coding-DNA position 1165, A replaced by C.
Protein change: p.Asn389His; replaces asparagine 389 with histidine.
Molecular consequence: missense variant.
Genome position (GRCh38, 1-based): chr4:120,798,290, T>G on the plus strand (A>C on the coding strand, the complement: PRDM5 is on the minus strand). VCF-style: chr4-120798290-T-G. GRCh37 (hg19) VCF-style: chr4-121719445-T-G.
Other names: c.1072A>C, p.Asn358His (NM_001300823.2, NM_001300824.2, NM_001379106.1); c.1198A>C, p.Asn400His (NM_001379104.1); short protein forms N358H, N400H, N389H.
Identifiers: ClinVar variation 2450363 (VCV002450363.2), dbSNP rs2477515096, ClinGen allele CA358210067.

ClinVar aggregate classification (germline): Uncertain significance (1 of 4 stars; one submission).

Conditions:
Cardiovascular phenotype. Identifiers: MedGen CN230736.

Submission:

Ambry Genetics
Classification: Uncertain significance for Cardiovascular phenotype. Last evaluated: 2023-01-15. Review status: criteria provided, single submitter. Criteria: Ambry Variant Classification Scheme 2023. Collection method: clinical testing. Allele origin: germline.
Comment: The p.N389H variant (also known as c.1165A>C), located in coding exon 10 of the PRDM5 gene, results from an A to C substitution at nucleotide position 1165. The asparagine at codon 389 is replaced by histidine, an amino acid with similar properties. This amino acid position is conserved. In addition, this alteration is predicted to be tolerated by in silico analysis. Since supporting evidence is limited at this time, the clinical significance of this alteration remains unclear.